The following is an entry in ClinVar:

ClinVar aggregate classification (germline): Pathogenic/Likely pathogenic. Review status: criteria provided, multiple submitters, no conflicts (2 of 4 stars). 3 submissions from 3 submitters: Pathogenic (1); Likely pathogenic (1). 1 of the submissions does not count toward it. Last evaluated 2025-10-12.

Conditions:
Cryopyrin associated periodic syndrome (CAPS). Identifiers: Orphanet 208650, MedGen C2316212, MONDO:0016168.
Familial cold autoinflammatory syndrome 1 (FCAS1). Also called: Familial cold inflammatory syndrome 1; CRYOPYRIN-ASSOCIATED PERIODIC SYNDROME 1. Identifiers: Orphanet 47045, MedGen C4551895, MONDO:0007349, OMIM 120100.

Submissions (3):

Labcorp Genetics (formerly Invitae), Labcorp
Classification: Pathogenic for Cryopyrin associated periodic syndrome. Last evaluated: 2025-10-12. Review status: criteria provided, single submitter. Criteria: Invitae Variant Classification Sherloc (09022015). Collection method: clinical testing. Allele origin: germline.
Comment: This sequence change replaces glycine, which is neutral and non-polar, with aspartic acid, which is acidic and polar, at codon 303 of the NLRP3 protein (p.Gly303Asp). This variant is not present in population databases (gnomAD no frequency). This missense change has been observed in individuals with cryopyrin-associated periodic syndrome (PMID: 21109514, 31172726; internal data). It has also been observed to segregate with disease in related individuals. This variant is also known as G301D. ClinVar contains an entry for this variant (Variation ID: 97978). Invitae Evidence Modeling of protein sequence and biophysical properties (such as structural, functional, and spatial information, amino acid conservation, physicochemical variation, residue mobility, and thermodynamic stability) indicates that this missense variant is expected to disrupt NLRP3 protein function with a positive predictive value of 95%. For these reasons, this variant has been classified as Pathogenic.

ARUP Laboratories, Molecular Genetics and Genomics, ARUP Laboratories
Classification: Likely pathogenic. Last evaluated: 2022-01-12. Review status: criteria provided, single submitter. Criteria: ARUP Molecular Germline Variant Investigation Process 2021. Collection method: clinical testing. Allele origin: germline.
Comment: The NLRP3 c.908G>A; p.Gly303Asp variant (rs180177441) is reported in the medical literature in an individual affected with Cryopyrin-associated periodic syndrome (Han 2019). This variant is reported in ClinVar (Variation ID: 97978). This variant is absent from the Genome Aggregation Database, indicating it is not a common polymorphism. The glycine at codon 303 is highly conserved, and computational analyses predict that this variant is deleterious (REVEL: 0.717). Additionally, this amino acid is located in the extended Walker B motif in the NACHT domain, critical for ATP hydrolysis (MacDonald 2013). Based on available information, this variant is considered to be likely pathogenic. References: Han JH, et al. The First Case Series of Cryopyrin-Associated Periodic Syndrome in Korea. Allergy Asthma Immunol Res. 2019 Jul;11(4):583-588. PMID: 31172726 MacDonald JA, et al. Biochemical and structural aspects of the ATP-binding domain in inflammasome-forming human NLRP proteins. IUBMB Life. 2013 Oct;65(10):851-62. PMID: 24078393.

Unité médicale des maladies autoinflammatoires, CHRU Montpellier
No classification provided. Condition: Familial cold urticaria. Review status: no classification provided. Collection method: not provided. Allele origin: unknown. Not counted in ClinVar's aggregate classification.
Comment: also involved in OMIM 191900 and 607115

Literature cited by the submitters: PubMed 21109514 (cited by Labcorp Genetics (formerly Invitae), Labcorp); PubMed 31172726 (cited by Labcorp Genetics (formerly Invitae), Labcorp).

NM_001243133.2(NLRP3):c.902G>A (p.Gly301Asp)

Gene: NLRP3 (NLR family pyrin domain containing 3; plus strand). Cytogenetic location: 1q44.
Variant type: single nucleotide variant.
Coding change: c.902G>A on transcript NM_001243133.2 (MANE Select); coding-DNA position 902, G replaced by A.
Protein change: p.Gly301Asp; replaces glycine 301 with aspartic acid.
Molecular consequence: missense variant.
Genome position (GRCh38, 1-based): chr1:247,424,351, G>A. VCF-style: chr1-247424351-G-A. GRCh37 (hg19) VCF-style: chr1-247587653-G-A.
Other names: c.902G>A, p.Gly301Asp (NM_001079821.3, NM_001127461.3, NM_001127462.3 and 1 more transcripts); c.908G>A, p.Gly303Asp (NM_004895.5); short protein forms G303D, G301D.
Identifiers: ClinVar variation 97978 (VCV000097978.19), dbSNP rs180177441, ClinGen allele CA281387.